The following is an entry in ClinVar:

ClinVar aggregate classification (germline): Likely benign (1 of 4 stars; one submission).

Submission:

CeGaT Center for Human Genetics Tuebingen
Classification: Likely benign. Last evaluated: 2026-02-01. Review status: criteria provided, single submitter. Criteria: CeGaT Center For Human Genetics Tuebingen Variant Classification Criteria Version 2. Collection method: clinical testing. Allele origin: germline. Affected: yes. Observed: 1 variant allele.
Comment: EMC10: PM2:Supporting, BP4, BP7

NM_206538.4(EMC10):c.159G>A (p.Gly53=)

Gene: EMC10 (ER membrane protein complex subunit 10; plus strand). Cytogenetic location: 19q13.33.
Variant type: single nucleotide variant.
Coding change: c.159G>A on transcript NM_206538.4 (MANE Select); coding-DNA position 159, G replaced by A.
Protein change: p.Gly53=; no amino-acid change (glycine 53 retained).
Molecular consequence: synonymous variant.
Genome position (GRCh38, 1-based): chr19:50,477,973, G>A. VCF-style: chr19-50477973-G-A. GRCh37 (hg19) VCF-style: chr19-50981230-G-A.
Other names: c.159G>A, p.Gly53= (NM_175063.6).
Identifiers: ClinVar variation 4822299 (VCV004822299.4).